The following is an entry in ClinVar:

NM_177438.3(DICER1):c.4216T>G (p.Cys1406Gly)

Gene: DICER1 (dicer 1, ribonuclease III; minus strand). Cytogenetic location: 14q32.13.
Variant type: single nucleotide variant.
Coding change: c.4216T>G on transcript NM_177438.3 (MANE Select); coding-DNA position 4216, T replaced by G.
Protein change: p.Cys1406Gly; replaces cysteine 1406 with glycine.
Molecular consequence: missense variant.
Genome position (GRCh38, 1-based): chr14:95,096,704, A>C on the plus strand (T>G on the coding strand, the complement: DICER1 is on the minus strand). VCF-style: chr14-95096704-A-C. GRCh37 (hg19) VCF-style: chr14-95563041-A-C.
Other names: c.4216T>G, p.Cys1406Gly (NM_001195573.1, NM_001271282.3, NM_001291628.2 and 1 more transcripts); short protein forms C1406G.
Identifiers: ClinVar variation 647083 (VCV000647083.16), dbSNP rs1356179383, ClinGen allele CA390869869.

ClinVar aggregate classification (germline): Uncertain significance. Review status: criteria provided, multiple submitters, no conflicts (2 of 4 stars). 3 submissions from 3 submitters: Uncertain significance (3). Last evaluated 2024-07-19.

Conditions:
DICER1-related disorder. Also called: DICER1-related condition.
DICER1-related tumor predisposition. Also called: DICER1-related pleuropulmonary blastoma cancer predisposition syndrome; DICER1 syndrome. Identifiers: Orphanet 284343, MedGen C3839822, MONDO:0100216.
Hereditary cancer-predisposing syndrome. Also called: Hereditary Cancer Syndrome; Tumor predisposition; Neoplastic Syndromes, Hereditary; Hereditary neoplastic syndrome. Identifiers: Orphanet 140162, MedGen C0027672, MeSH D009386, MONDO:0015356.

gnomAD v4.1: 4 of 1,608,148 alleles (0.00025%); highest among the groups gnomAD compares: Non-Finnish European, 0.00034%; no homozygotes.

Submissions (3):

Labcorp Genetics (formerly Invitae), Labcorp
Classification: Uncertain significance for DICER1-related tumor predisposition. Last evaluated: 2024-07-19. Review status: criteria provided, single submitter. Criteria: Invitae Variant Classification Sherloc (09022015). Collection method: clinical testing. Allele origin: germline.
Comment: This sequence change replaces cysteine, which is neutral and slightly polar, with glycine, which is neutral and non-polar, at codon 1406 of the DICER1 protein (p.Cys1406Gly). This variant is not present in population databases (gnomAD no frequency). This variant has not been reported in the literature in individuals affected with DICER1-related conditions. ClinVar contains an entry for this variant (Variation ID: 647083). An algorithm developed to predict the effect of missense changes on protein structure and function (PolyPhen-2) suggests that this variant is likely to be tolerated. In summary, the available evidence is currently insufficient to determine the role of this variant in disease. Therefore, it has been classified as a Variant of Uncertain Significance.

Ambry Genetics
Classification: Uncertain significance for Hereditary cancer-predisposing syndrome. Last evaluated: 2024-04-16. Review status: criteria provided, single submitter. Criteria: Ambry Variant Classification Scheme 2023. Collection method: clinical testing. Allele origin: germline.
Comment: The p.C1406G variant (also known as c.4216T>G), located in coding exon 22 of the DICER1 gene, results from a T to G substitution at nucleotide position 4216. The cysteine at codon 1406 is replaced by glycine, an amino acid with highly dissimilar properties. This amino acid position is not well conserved in available vertebrate species. In addition, this alteration is predicted to be tolerated by in silico analysis. Based on the available evidence, the clinical significance of this variant remains unclear.

PreventionGenetics, part of Exact Sciences
Classification: Uncertain significance for DICER1-related condition. Last evaluated: 2023-03-27. Review status: criteria provided, single submitter. Criteria: ACMG Guidelines, 2015. Collection method: clinical testing. Allele origin: germline.
Comment: The DICER1 c.4216T>G variant is predicted to result in the amino acid substitution p.Cys1406Gly. To our knowledge, this variant has not been previously reported in the literature in association with disease. However, this variant was previously reported in an unselected clinical cohort; in that study, the authors classified the variant as likely benign (Mirshahi et al. 2021. PubMed ID: 33630087, supplementary data). This variant is absent from a large population database, indicating this variant is rare. In the ClinVar database, this variant is listed as 'uncertain' by outside laboratories. At this time, the clinical significance of this variant is uncertain due to the absence of conclusive functional and genetic evidence.